The following is an entry in ClinVar:

NM_001458.5(FLNC):c.7915G>A (p.Val2639Met)

Genes: FLNC-AS1 (FLNC antisense RNA 1; minus strand), FLNC (filamin C; plus strand). Cytogenetic location: 7q32.1.
Variant type: single nucleotide variant.
Coding change: c.7915G>A on transcript NM_001458.5 (MANE Select); coding-DNA position 7915, G replaced by A.
Protein change: p.Val2639Met; replaces valine 2639 with methionine.
Molecular consequence: missense variant.
Genome position (GRCh38, 1-based): chr7:128,858,142, G>A. VCF-style: chr7-128858142-G-A. GRCh37 (hg19) VCF-style: chr7-128498196-G-A.
Other names: c.7816G>A, p.Val2606Met (NM_001127487.2); short protein forms V2639M, V2606M.
Identifiers: ClinVar variation 1482089 (VCV001482089.8), dbSNP rs2128940599, ClinGen allele CA369220451.

ClinVar aggregate classification (germline): Uncertain significance (1 of 4 stars; one submission).

Conditions:
Myofibrillar myopathy 5. Also called: Filaminopathy (type); FILAMINOPATHY, AUTOSOMAL DOMINANT. Identifiers: Orphanet 171445, MedGen C1836050, MONDO:0012289, OMIM 609524.
Distal myopathy with posterior leg and anterior hand involvement. Also called: WILLIAMS DISTAL MYOPATHY. Identifiers: Orphanet 63273, MedGen C3279722, MONDO:0013550, OMIM 614065.
Hypertrophic cardiomyopathy 26. Also called: Cardiomyopathy, familial hypertrophic, 26. Identifiers: Orphanet 75249, MedGen C4310749, MONDO:0014883, OMIM 617047.

Submission:

Labcorp Genetics (formerly Invitae), Labcorp
Classification: Uncertain significance for Distal myopathy with posterior leg and anterior hand involvement; Myofibrillar myopathy 5; Hypertrophic cardiomyopathy 26. Last evaluated: 2025-03-27. Review status: criteria provided, single submitter. Criteria: Invitae Variant Classification Sherloc (09022015). Collection method: clinical testing. Allele origin: germline.
Comment: This sequence change replaces valine, which is neutral and non-polar, with methionine, which is neutral and non-polar, at codon 2639 of the FLNC protein (p.Val2639Met). This variant is not present in population databases (gnomAD no frequency). This variant has not been reported in the literature in individuals affected with FLNC-related conditions. ClinVar contains an entry for this variant (Variation ID: 1482089). Invitae Evidence Modeling of protein sequence and biophysical properties (such as structural, functional, and spatial information, amino acid conservation, physicochemical variation, residue mobility, and thermodynamic stability) indicates that this missense variant is not expected to disrupt FLNC protein function with a negative predictive value of 95%. In summary, the available evidence is currently insufficient to determine the role of this variant in disease. Therefore, it has been classified as a Variant of Uncertain Significance.